The following is an entry in ClinVar:

NM_006343.3(MERTK):c.1339C>T (p.Arg447Trp)

Gene: MERTK (MER proto-oncogene, tyrosine kinase; plus strand). Cytogenetic location: 2q13.
Variant type: single nucleotide variant.
Coding change: c.1339C>T on transcript NM_006343.3 (MANE Select); coding-DNA position 1339, C replaced by T.
Protein change: p.Arg447Trp; replaces arginine 447 with tryptophan.
Molecular consequence: missense variant.
Genome position (GRCh38, 1-based): chr2:111,994,293, C>T. VCF-style: chr2-111994293-C-T. GRCh37 (hg19) VCF-style: chr2-112751870-C-T.
Other names: short protein forms R447W.
Identifiers: ClinVar variation 2106503 (VCV002106503.1), dbSNP rs370577205, ClinGen allele CA1831358.
Genomic context (GRCh38, chr2:111,994,293, plus strand): 5'-CTTCCTCTCTGTCTCCAGAAAGAGCTCTTGGAGGAAGTTGGCCAGAATGGCAGCCGAGCT[C>T]GGATCTCTGTTCAAGTCCACAATGCTACGTGCACAGTGAGGATTGCAGCCGTCACCAGAG-3'
Protein context (NP_006334.2, residues 437-457): EEVGQNGSRA[Arg447Trp]ISVQVHNATC

ClinVar aggregate classification (germline): Uncertain significance (1 of 4 stars; one submission).

Allele frequency attached by ClinVar (database versions not stated): gnomAD 0.00001; gnomAD exomes 0.00001; TOPMed 0.00001; ExAC 0.00004; ESP Exome Variant Server 0.00008.
gnomAD v4.1: 16 of 1,613,990 alleles (0.00099%); highest among the groups gnomAD compares: African/African-American, 0.004%; no homozygotes.

Submission:

Labcorp Genetics (formerly Invitae), Labcorp
Classification: Uncertain significance. Last evaluated: 2022-03-04. Review status: criteria provided, single submitter. Criteria: Invitae Variant Classification Sherloc (09022015). Collection method: clinical testing. Allele origin: germline.
Comment: This sequence change replaces arginine, which is basic and polar, with tryptophan, which is neutral and slightly polar, at codon 447 of the MERTK protein (p.Arg447Trp). This variant is present in population databases (rs370577205, gnomAD 0.004%). This variant has not been reported in the literature in individuals affected with MERTK-related conditions. Algorithms developed to predict the effect of missense changes on protein structure and function are either unavailable or do not agree on the potential impact of this missense change (SIFT: "Deleterious"; PolyPhen-2: "Benign"; Align-GVGD: "Class C0"). In summary, the available evidence is currently insufficient to determine the role of this variant in disease. Therefore, it has been classified as a Variant of Uncertain Significance.